The following is an entry in ClinVar:

NM_000435.3(NOTCH3):c.1466A>G (p.Asn489Ser)

Gene: NOTCH3 (notch receptor 3; minus strand). Cytogenetic location: 19p13.12.
Variant type: single nucleotide variant.
Coding change: c.1466A>G on transcript NM_000435.3 (MANE Select); coding-DNA position 1466, A replaced by G.
Protein change: p.Asn489Ser; replaces asparagine 489 with serine.
Molecular consequence: missense variant.
Genome position (GRCh38, 1-based): chr19:15,188,261, T>C on the plus strand (A>G on the coding strand, the complement: NOTCH3 is on the minus strand). VCF-style: chr19-15188261-T-C. GRCh37 (hg19) VCF-style: chr19-15299072-T-C.
Other names: p.Asn489Ser; short protein forms N489S.
Identifiers: ClinVar variation 1555791 (VCV001555791.10), dbSNP rs376728138, ClinGen allele CA9263631.

ClinVar aggregate classification (germline): Conflicting classifications of pathogenicity. Review status: criteria provided, conflicting classifications (1 of 4 stars). 3 submissions from 3 submitters: Uncertain significance (2); Likely benign (1). Last evaluated 2025-12-19.

Allele frequency attached by ClinVar (database versions not stated): gnomAD 0.00006; TOPMed 0.00007; ESP Exome Variant Server 0.00008; ExAC 0.00009; gnomAD exomes 0.00012.
gnomAD v4.1: 56 of 1,601,382 alleles (0.0035%); highest among the groups gnomAD compares: Admixed American, 0.029%; no homozygotes.

Submissions (3):

Labcorp Genetics (formerly Invitae), Labcorp
Classification: Likely benign. Last evaluated: 2025-12-19. Review status: criteria provided, single submitter. Criteria: Invitae Variant Classification Sherloc (09022015). Collection method: clinical testing. Allele origin: germline.

Mayo Clinic Laboratories, Mayo Clinic
Classification: Uncertain significance. Last evaluated: 2025-05-23. Review status: criteria provided, single submitter. Criteria: ACMG Guidelines, 2015. Collection method: clinical testing. Allele origin: germline. Observed: 2 variant alleles.
Comment: BP1

ARUP Laboratories, Molecular Genetics and Genomics, ARUP Laboratories
Classification: Uncertain significance. Last evaluated: 2024-03-01. Review status: criteria provided, single submitter. Criteria: ARUP Molecular Germline Variant Investigation Process 2024. Collection method: clinical testing. Allele origin: germline.
Comment: The NOTCH3 c.1466A>G; p.Asn489Ser variant (rs376728138), to our knowledge, is not reported in the medical literature but is reported in ClinVar (Variation ID: 1555791). This variant is observed in the general population with an overall allele frequency of 0.01% (30/262020 alleles) in the Genome Aggregation Database (v2.1.1). Computational analyses are uncertain whether this variant is neutral or deleterious (REVEL: 0.541). Most pathogenic NOTCH3 variants occur in exons 2-24 and either create or destroy a cysteine residue within an EGF-like domain (Rutten 2014). However, there are several amino acid substitutions not involving cysteine that may be disease-associated (Muino 2017). Although p.Asn489Ser does not occur within this critical region/involve a cysteine residue, due to limited information the clinical significance of this variant is uncertain at this time.